The following is an entry in ClinVar:

NM_033337.3(CAV3):c.310G>A (p.Val104Met)

Genes: CAV3 (caveolin 3; plus strand), OXTR (oxytocin receptor; minus strand). Cytogenetic location: 3p25.3.
Variant type: single nucleotide variant.
Coding change: c.310G>A on transcript NM_033337.3 (MANE Select); coding-DNA position 310, G replaced by A.
Protein change: p.Val104Met; replaces valine 104 with methionine.
Molecular consequence: missense variant.
Genome position (GRCh38, 1-based): chr3:8,745,721, G>A. VCF-style: chr3-8745721-G-A. GRCh37 (hg19) VCF-style: chr3-8787407-G-A.
Other names: c.310G>A, p.Val104Met (NM_001234.5); short protein forms V104M.
Identifiers: ClinVar variation 840845 (VCV000840845.45), dbSNP rs944503745, ClinGen allele CA351663491.

ClinVar aggregate classification (germline): Uncertain significance. Review status: criteria provided, multiple submitters, no conflicts (2 of 4 stars). 4 submissions from 4 submitters: Uncertain significance (4). Last evaluated 2022-09-20.

Conditions:
Long QT syndrome (LQTS). Identifiers: MedGen C0023976, MeSH D008133, MONDO:0002442. Disease mechanism: loss of function. Inheritance: Various modes of inheritance.
Long QT syndrome 9 (LQT9). Identifiers: Orphanet 101016, Orphanet 768, MedGen C2678485, MONDO:0012736, OMIM 611818.
Hypertrophic cardiomyopathy 1 (CMH1). Also called: MYH7-Related Familial Hypertrophic Cardiomyopathy; Familial hypertrophic cardiomyopathy 1. Identifiers: MedGen C3495498, MONDO:0008647, OMIM 192600.
Distal myopathy, Tateyama type (MPDT). Also called: CAV3-Related Distal Myopathy. Identifiers: Orphanet 488650, MedGen C3280443, MONDO:0013686, OMIM 614321.
Elevated circulating creatine kinase activity. Also called: Elevated circulating creatine kinase concentration; Elevated creatine kinase; Elevated serum creatine phosphokinase. Identifiers: MedGen C0241005, HP:0003236.
Rippling muscle disease 2 (RMD2). Also called: CAV3-Related Rippling Muscle Disease; Limb-girdle muscular dystrophy, type 1C. Identifiers: Orphanet 265, MedGen C1832560, MONDO:0019947, OMIM 606072.

Allele frequency attached by ClinVar (database versions not stated): gnomAD exomes 0.00001.
gnomAD v4.1: 3 of 1,614,172 alleles (0.00019%); highest among the groups gnomAD compares: South Asian, 0.0022%; no homozygotes.

Submissions (4):

GeneDx
Classification: Uncertain significance. Last evaluated: 2022-09-20. Review status: criteria provided, single submitter. Criteria: GeneDx Variant Classification Process June 2021. Collection method: clinical testing. Allele origin: germline. Affected: yes.
Comment: Has not been previously published as pathogenic or benign to our knowledge; Not observed at significant frequency in large population cohorts (gnomAD); In silico analysis supports that this missense variant does not alter protein structure/function

Fulgent Genetics
Classification: Uncertain significance for Creatine phosphokinase, elevated serum; Hypertrophic cardiomyopathy 1; Rippling muscle disease 2; Long QT syndrome 9; Distal myopathy, Tateyama type. Last evaluated: 2021-09-10. Review status: criteria provided, single submitter. Criteria: ACMG Guidelines, 2015. Collection method: clinical testing. Allele origin: unknown.

Labcorp Genetics (formerly Invitae), Labcorp
Classification: Uncertain significance for Long QT syndrome. Last evaluated: 2021-08-26. Review status: criteria provided, single submitter. Criteria: Invitae Variant Classification Sherloc (09022015). Collection method: clinical testing. Allele origin: germline.
Comment: This sequence change replaces valine with methionine at codon 104 of the CAV3 protein (p.Val104Met). The valine residue is highly conserved and there is a small physicochemical difference between valine and methionine. This variant is not present in population databases (ExAC no frequency). This variant has not been reported in the literature in individuals affected with CAV3-related conditions. Algorithms developed to predict the effect of missense changes on protein structure and function (SIFT, PolyPhen-2, Align-GVGD) all suggest that this variant is likely to be tolerated. In summary, the available evidence is currently insufficient to determine the role of this variant in disease. Therefore, it has been classified as a Variant of Uncertain Significance.

CeGaT Center for Human Genetics Tuebingen
Classification: Uncertain significance. Last evaluated: 2020-08-01. Review status: criteria provided, single submitter. Criteria: CeGaT Center For Human Genetics Tuebingen Variant Classification Criteria Version 2. Collection method: clinical testing. Allele origin: germline. Affected: yes. Observed: 1 variant allele.